The following is an entry in ClinVar:

NM_001927.4(DES):c.680G>T (p.Arg227Leu)

Gene: DES (desmin; plus strand). Cytogenetic location: 2q35.
Variant type: single nucleotide variant.
Coding change: c.680G>T on transcript NM_001927.4 (MANE Select); coding-DNA position 680, G replaced by T.
Protein change: p.Arg227Leu; replaces arginine 227 with leucine.
Molecular consequence: missense variant. On other transcripts: intron variant (1).
Genome position (GRCh38, 1-based): chr2:219,420,291, G>T. VCF-style: chr2-219420291-G-T. GRCh37 (hg19) VCF-style: chr2-220285013-G-T.
Other names: c.680G>T (NM_001927.3); c.677G>T, p.Arg226Leu (NM_001382708.1); c.680G>T, p.Arg227Leu (NM_001382709.1, NM_001382710.1, NM_001382711.1 and 1 more transcripts); c.496-234G>T (NM_001382713.1); short protein forms R226L, R227L.
Identifiers: ClinVar variation 1059344 (VCV001059344.10), dbSNP rs141486420, ClinGen allele CA350690409.

ClinVar aggregate classification (germline): Uncertain significance. Review status: criteria provided, multiple submitters, no conflicts (2 of 4 stars). 2 submissions from 2 submitters: Uncertain significance (2). Last evaluated 2025-07-29.

Conditions:
Desmin-related myofibrillar myopathy (MFM1). Also called: MYOFIBRILLAR MYOPATHY WITH ARRHYTHMOGENIC RIGHT VENTRICULAR CARDIOMYOPATHY; DESMIN-RELATED MYOPATHY WITH ARRHYTHMOGENIC RIGHT VENTRICULAR CARDIOMYOPATHY; Desminopathy; Desmin related myopathy (former name); Desmin storage myopathy (former name); Myofibrillar myopathy 1. Identifiers: Orphanet 363543, Orphanet 98909, MedGen C1832370, MONDO:0011076, OMIM 601419.
Cardiovascular phenotype. Identifiers: MedGen CN230736.

Submissions (2):

Ambry Genetics
Classification: Uncertain significance for Cardiovascular phenotype. Last evaluated: 2025-07-29. Review status: criteria provided, single submitter. Criteria: Ambry Variant Classification Scheme 2023. Collection method: clinical testing. Allele origin: germline.
Comment: The p.R227L variant (also known as c.680G>T), located in coding exon 3 of the DES gene, results from a G to T substitution at nucleotide position 680. The arginine at codon 227 is replaced by leucine, an amino acid with dissimilar properties. This amino acid position is highly conserved in available vertebrate species. In addition, this alteration is predicted to be deleterious by in silico analysis. Based on the available evidence, the clinical significance of this variant remains unclear.

Labcorp Genetics (formerly Invitae), Labcorp
Classification: Uncertain significance for Desmin-related myofibrillar myopathy. Last evaluated: 2020-08-26. Review status: criteria provided, single submitter. Criteria: Invitae Variant Classification Sherloc (09022015). Collection method: clinical testing. Allele origin: germline.
Comment: In summary, the available evidence is currently insufficient to determine the role of this variant in disease. Therefore, it has been classified as a Variant of Uncertain Significance. Algorithms developed to predict the effect of missense changes on protein structure and function (SIFT, PolyPhen-2, Align-GVGD) all suggest that this variant is likely to be disruptive, but these predictions have not been confirmed by published functional studies and their clinical significance is uncertain. This variant has not been reported in the literature in individuals with DES-related conditions. This variant is not present in population databases (ExAC no frequency). This sequence change replaces arginine with leucine at codon 227 of the DES protein (p.Arg227Leu). The arginine residue is highly conserved and there is a moderate physicochemical difference between arginine and leucine.